The following is an entry in ClinVar:

NM_152295.5(TARS1):c.330-6_330-4del

Gene: TARS1 (threonyl-tRNA synthetase 1; plus strand). Cytogenetic location: 5p13.3.
Variant type: Deletion.
Coding change: c.330-6_330-4del on transcript NM_152295.5 (MANE Select); 6 bases into the intron before coding-DNA position 330 through 4 bases into the intron before coding-DNA position 330, 3 bases deleted (TTT; older notation c.330-6_330-4delTTT).
Molecular consequence: intron variant.
Genome position (GRCh38, 1-based): chr5:33,453,283-33,453,285, TTT deleted; deleting any 3 consecutive bases within chr5:33,453,264-33,453,285 gives the same sequence; the c. name uses the placement nearest the transcript's 3' end. VCF-style (leftmost placement, unchanged base first): chr5-33453263-CTTT-C. GRCh37 (hg19) VCF-style: chr5-33453368-CTTT-C.
Other names: c.330-6_330-4del (NM_001258437.1); c.429-6_429-4del (NM_001258438.2).
Identifiers: ClinVar variation 3059544 (VCV003059544.2), dbSNP rs35931457, ClinGen allele CA3222990.

ClinVar aggregate classification (germline): Likely benign (0 of 4 stars; one submission).

Conditions:
TARS1-related disorder. Also called: TARS1-related condition.

Submission:

PreventionGenetics, part of Exact Sciences
Classification: Likely benign for TARS1-related condition. Last evaluated: 2019-11-12. Review status: no assertion criteria provided. Collection method: clinical testing. Allele origin: germline.
Comment: This variant is classified as likely benign based on ACMG/AMP sequence variant interpretation guidelines (Richards et al. 2015 PMID: 25741868, with internal and published modifications).